The following is an entry in ClinVar:

ClinVar aggregate classification (germline): Pathogenic (1 of 4 stars; one submission).

Conditions:
Arrhythmogenic right ventricular dysplasia 8 (ARVD8). Also called: Arrhythmogenic Right Ventricular Dysplasia/Cardiomyopathy 8; ARRHYTHMOGENIC RIGHT VENTRICULAR DYSPLASIA, FAMILIAL, 8; ARRHYTHMOGENIC RIGHT VENTRICULAR CARDIOMYOPATHY 8. Identifiers: MedGen C1843896, MONDO:0011831, OMIM 607450.
Arrhythmogenic cardiomyopathy with wooly hair and keratoderma. Also called: Arrhythmogenic cardiomyopathy with woolly hair and keratoderma; Carvajal syndrome; Dilated cardiomyopathy with woolly hair and keratoderma; PALMOPLANTAR KERATODERMA WITH LEFT VENTRICULAR CARDIOMYOPATHY AND WOOLLY HAIR. Identifiers: Orphanet 65282, MedGen C1854063, MONDO:0011581, OMIM 605676.

Submission:

Labcorp Genetics (formerly Invitae), Labcorp
Classification: Pathogenic for Arrhythmogenic cardiomyopathy with wooly hair and keratoderma; Arrhythmogenic right ventricular dysplasia 8. Last evaluated: 2024-04-04. Review status: criteria provided, single submitter. Criteria: Invitae Variant Classification Sherloc (09022015). Collection method: clinical testing. Allele origin: germline.
Comment: This sequence change creates a premature translational stop signal (p.Asn928Lysfs*8) in the DSP gene. It is expected to result in an absent or disrupted protein product. Loss-of-function variants in DSP are known to be pathogenic (PMID: 20716751, 24503780, 25227139). This variant is not present in population databases (gnomAD no frequency). This variant has not been reported in the literature in individuals affected with DSP-related conditions. For these reasons, this variant has been classified as Pathogenic.

Literature cited by the submitters: PubMed 20716751; PubMed 24503780; PubMed 25227139.

NM_004415.4(DSP):c.2784_2785del (p.Asn928fs)

Gene: DSP (desmoplakin; plus strand). Cytogenetic location: 6p24.3.
Variant type: Deletion.
Coding change: c.2784_2785del on transcript NM_004415.4 (MANE Select); coding-DNA positions 2784 to 2785, 2 bases deleted (TG; older notation c.2784_2785delTG).
Protein change: p.Asn928fs; shifts the reading frame from asparagine 928.
Molecular consequence: frameshift variant.
Genome position (GRCh38, 1-based): chr6:7,576,447-7,576,448, TG deleted. VCF-style (leftmost placement, unchanged base first): chr6-7576446-ATG-A. GRCh37 (hg19) VCF-style: chr6-7576679-ATG-A.
Other names: c.2784_2785del, p.Asn928fs (NM_001008844.3, NM_001319034.2); short protein forms N928fs.
Identifiers: ClinVar variation 2921653 (VCV002921653.3), dbSNP rs2533911801, ClinGen allele CA2740094244.